The following is an entry in ClinVar:

ClinVar aggregate classification (germline): Uncertain significance (1 of 4 stars; one submission).

Conditions:
Myasthenic syndrome, congenital, 24, presynaptic. Identifiers: MedGen C4748684, MONDO:0032597, OMIM 618198.

Submission:

ARUP Laboratories, Molecular Genetics and Genomics, ARUP Laboratories
Classification: Uncertain significance for Myasthenic syndrome, congenital, 24, presynaptic. Review status: criteria provided, single submitter. Criteria: ARUP Molecular Germline Variant Investigation Process 2024. Collection method: clinical testing. Allele origin: germline.
Comment: The c.535G>A; p.Val179Ile variant, to our knowledge, has not been reported in the medical literature or gene specific databases. Based on the available information, the clinical significance of this variant is uncertain.

NM_006901.4(MYO9A):c.535G>A (p.Val179Ile)

Gene: MYO9A (myosin IXA; minus strand). Cytogenetic location: 15q23.
Variant type: single nucleotide variant.
Coding change: c.535G>A on transcript NM_006901.4 (MANE Select); coding-DNA position 535, G replaced by A.
Protein change: p.Val179Ile; replaces valine 179 with isoleucine.
Molecular consequence: missense variant.
Genome position (GRCh38, 1-based): chr15:72,046,029, C>T on the plus strand (G>A on the coding strand, the complement: MYO9A is on the minus strand). VCF-style: chr15-72046029-C-T. GRCh37 (hg19) VCF-style: chr15-72338370-C-T.
Other names: short protein forms V179I.
Identifiers: ClinVar variation 4686054 (VCV004686054.1).
Genomic context (GRCh38, chr15:72,046,029, plus strand): 5'-ATTTGGGGTTATAAATAGGAAGAAACTTGAATGGGTTAATAACTATTAGAATACTGCCAA[C>T]ATAGGTATAAATTTTTTCATGCTTAAAGCGATTTCGTAGGTTTTCTAAGAGAGTTTTCTC-3'
Protein context (NP_008832.2, residues 169-189): RFKHEKIYTY[Val179Ile]GSILIVINPF